The following is an entry in ClinVar:

NM_139318.5(KCNH5):c.1993A>C (p.Thr665Pro)

Gene: KCNH5 (potassium voltage-gated channel subfamily H member 5; minus strand). Cytogenetic location: 14q23.2.
Variant type: single nucleotide variant.
Coding change: c.1993A>C on transcript NM_139318.5 (MANE Select); coding-DNA position 1993, A replaced by C.
Protein change: p.Thr665Pro; replaces threonine 665 with proline.
Molecular consequence: missense variant. On other transcripts: intron variant (1).
Genome position (GRCh38, 1-based): chr14:62,779,754, T>G on the plus strand (A>C on the coding strand, the complement: KCNH5 is on the minus strand). VCF-style: chr14-62779754-T-G. GRCh37 (hg19) VCF-style: chr14-63246472-T-G.
Other names: c.1822+22575A>C (NM_172375.3); short protein forms T665P.
Identifiers: ClinVar variation 4872690 (VCV004872690.2).

ClinVar aggregate classification (germline): Uncertain significance (1 of 4 stars; one submission).

Submission:

CeGaT Center for Human Genetics Tuebingen
Classification: Uncertain significance. Last evaluated: 2026-06-01. Review status: criteria provided, single submitter. Criteria: CeGaT Center For Human Genetics Tuebingen Variant Classification Criteria Version 2. Collection method: clinical testing. Allele origin: germline. Affected: yes. Observed: 1 variant allele.
Comment: KCNH5: PM2